The following is an entry in ClinVar:

ClinVar aggregate classification (germline): Conflicting classifications of pathogenicity. Review status: criteria provided, conflicting classifications (1 of 4 stars). 2 submissions from 2 submitters: Uncertain significance (1); Likely benign (1). Last evaluated 2026-01-13.

Conditions:
Thrombocytopenia 2 (THC2). Also called: ANKRD26-Related Thrombocytopenia. Identifiers: Orphanet 268322, MedGen C1861185, MONDO:0008555, OMIM 188000.

Allele frequency attached by ClinVar (database versions not stated): gnomAD 0.00005 and 0.00006; gnomAD exomes 0.00005 and 0.00007; TOPMed 0.00005; ExAC 0.00007.
gnomAD v4.1: 75 of 1,614,248 alleles (0.0046%); highest among the groups gnomAD compares: Middle Eastern, 0.066%; no homozygotes.

Submissions (2):

Labcorp Genetics (formerly Invitae), Labcorp
Classification: Uncertain significance. Last evaluated: 2026-01-13. Review status: criteria provided, single submitter. Criteria: Invitae Variant Classification Sherloc (09022015). Collection method: clinical testing. Allele origin: germline.
Comment: This sequence change replaces asparagine, which is neutral and polar, with serine, which is neutral and polar, at codon 90 of the ANKRD26 protein (p.Asn90Ser). This variant is present in population databases (rs752629436, gnomAD 0.04%), and has an allele count higher than expected for a pathogenic variant. This variant has not been reported in the literature in individuals affected with ANKRD26-related conditions. ClinVar contains an entry for this variant (Variation ID: 299762). An algorithm developed to predict the effect of missense changes on protein structure and function outputs the following: PolyPhen-2: "Benign". The serine amino acid residue is found in multiple mammalian species, which suggests that this missense change does not adversely affect protein function. In summary, the available evidence is currently insufficient to determine the role of this variant in disease. Therefore, it has been classified as a Variant of Uncertain Significance.

Illumina Laboratory Services, Illumina
Classification: Likely benign for Thrombocytopenia 2. Last evaluated: 2018-01-12. Review status: criteria provided, single submitter. Criteria: ICSL Variant Classification Criteria 13 December 2019. Collection method: clinical testing. Allele origin: germline.
Comment: This variant was observed in the ICSL laboratory as part of a predisposition screen in an ostensibly healthy population. It had not been previously curated by ICSL or reported in the Human Gene Mutation Database (HGMD: prior to June 1st, 2018), and was therefore a candidate for classification through an automated scoring system. Utilizing variant allele frequency, disease prevalence and penetrance estimates, and inheritance mode, an automated score was calculated to assess if this variant is too frequent to cause the disease. Based on the score and internal cut-off values, a variant classified as likely benign is not then subjected to further curation. The score for this variant resulted in a classification of likely benign for this disease.

NM_014915.3(ANKRD26):c.269A>G (p.Asn90Ser)

Gene: ANKRD26 (ankyrin repeat domain 26; minus strand). Cytogenetic location: 10p12.1.
Variant type: single nucleotide variant.
Coding change: c.269A>G on transcript NM_014915.3 (MANE Select); coding-DNA position 269, A replaced by G.
Protein change: p.Asn90Ser; replaces asparagine 90 with serine.
Molecular consequence: missense variant.
Genome position (GRCh38, 1-based): chr10:27,093,773, T>C on the plus strand (A>G on the coding strand, the complement: ANKRD26 is on the minus strand). VCF-style: chr10-27093773-T-C. GRCh37 (hg19) VCF-style: chr10-27382702-T-C.
Other names: c.269A>G, p.Asn90Ser (NM_001256053.2); short protein forms N90S.
Identifiers: ClinVar variation 299762 (VCV000299762.8), dbSNP rs752629436, ClinGen allele CA5448999.